The following is an entry in ClinVar:

ClinVar aggregate classification (germline): Benign/Likely benign. Review status: criteria provided, multiple submitters, no conflicts (2 of 4 stars). 4 submissions from 4 submitters: Benign (1); Likely benign (3). Last evaluated 2025-12-29.

Conditions:
Sessile serrated polyposis cancer syndrome (SSPCS). Identifiers: Orphanet 157798, MedGen C4310714, MONDO:0014919, OMIM 617108.

Allele frequency attached by ClinVar (database versions not stated): gnomAD 0.00003; TOPMed 0.00002; ExAC 0.00003; gnomAD exomes 0.00002.
gnomAD v4.1: 29 of 1,611,222 alleles (0.0018%); highest among the groups gnomAD compares: East Asian, 0.0089%; no homozygotes.

Submissions (4):

Center for Genomic Medicine, Rigshospitalet, Copenhagen University Hospital
Classification: Likely benign. Last evaluated: 2025-12-29. Review status: criteria provided, single submitter. Criteria: ACMG Guidelines, 2015. Collection method: clinical testing. Allele origin: germline.

Myriad Genetics, Inc.
Classification: Benign for Sessile serrated polyposis cancer syndrome. Last evaluated: 2025-12-12. Review status: criteria provided, single submitter. Criteria: Myriad Autosomal Dominant, Autosomal Recessive and X-Linked Classification Criteria (2023). Collection method: clinical testing. Allele origin: unknown.
Comment: This variant is considered benign. This variant is a silent/synonymous amino acid change and it is not expected to impact splicing.

Ambry Genetics
Classification: Likely benign. Last evaluated: 2024-10-02. Review status: criteria provided, single submitter. Criteria: Ambry Variant Classification Scheme 2023. Collection method: clinical testing. Allele origin: germline.

Labcorp Genetics (formerly Invitae), Labcorp
Classification: Likely benign. Last evaluated: 2024-07-19. Review status: criteria provided, single submitter. Criteria: Invitae Variant Classification Sherloc (09022015). Collection method: clinical testing. Allele origin: germline.

NM_017763.6(RNF43):c.387G>A (p.Ala129=)

Gene: RNF43 (ring finger protein 43; minus strand). Cytogenetic location: 17q22.
Variant type: single nucleotide variant.
Coding change: c.387G>A on transcript NM_017763.6 (MANE Select); coding-DNA position 387, G replaced by A.
Protein change: p.Ala129=; no amino-acid change (alanine 129 retained).
Molecular consequence: synonymous variant.
Genome position (GRCh38, 1-based): chr17:58,363,589, C>T on the plus strand (G>A on the coding strand, the complement: RNF43 is on the minus strand). VCF-style: chr17-58363589-C-T. GRCh37 (hg19) VCF-style: chr17-56440950-C-T.
Other names: c.6G>A, p.Ala2= (NM_001305545.2); c.387G>A, p.Ala129= (NM_001305544.3).
Identifiers: ClinVar variation 933634 (VCV000933634.12), dbSNP rs755845342, ClinGen allele CA8673439.